The following is an entry in ClinVar:

ClinVar aggregate classification (germline): Benign/Likely benign. Review status: criteria provided, multiple submitters, no conflicts (2 of 4 stars). 5 submissions from 4 submitters: Benign (4); Likely benign (1). Last evaluated 2026-01-26.

Conditions:
Short-rib thoracic dysplasia 7 with or without polydactyly (SRTD7). Also called: SHORT-RIB THORACIC DYSPLASIA 7 WITH POLYDACTYLY; Short rib polydactyly syndrome 5. Identifiers: Orphanet 498497, Orphanet 93271, MedGen C3279792, MONDO:0013569, OMIM 614091.
Cranioectodermal dysplasia 2 (CED2). Identifiers: Orphanet 1515, MedGen C3150874, MONDO:0013323, OMIM 613610.

Allele frequency attached by ClinVar (database versions not stated): ESP Exome Variant Server 0.00015; TOPMed 0.00100; 1000 Genomes Project 30x 0.00406; 1000 Genomes Project 0.00439.
gnomAD v4.1: 627 of 1,613,666 alleles (0.039%); highest among the groups gnomAD compares: East Asian, 0.99%; 5 homozygotes.

Submissions (12):

Labcorp Genetics (formerly Invitae), Labcorp
Classification: Benign for Cranioectodermal dysplasia 2; Short-rib thoracic dysplasia 7 with or without polydactyly. Last evaluated: 2026-01-26. Review status: criteria provided, single submitter. Criteria: Invitae Variant Classification Sherloc (09022015). Collection method: clinical testing. Allele origin: germline.

GeneDx
Classification: Likely benign. Last evaluated: 2020-12-14. Review status: criteria provided, single submitter. Criteria: GeneDx Variant Classification Process June 2021. Collection method: clinical testing. Allele origin: germline. Affected: yes.

Illumina Laboratory Services, Illumina
Classification: Benign for Short-rib thoracic dysplasia 7 with or without polydactyly. Last evaluated: 2018-01-13. Review status: criteria provided, single submitter. Criteria: ICSL Variant Classification Criteria 13 December 2019. Collection method: clinical testing. Allele origin: germline.
Comment: This variant was observed in the ICSL laboratory as part of a predisposition screen in an ostensibly healthy population. It had not been previously curated by ICSL or reported in the Human Gene Mutation Database (HGMD: prior to June 1st, 2018), and was therefore a candidate for classification through an automated scoring system. Utilizing variant allele frequency, disease prevalence and penetrance estimates, and inheritance mode, an automated score was calculated to assess if this variant is too frequent to cause the disease. Based on the score and internal cut-off values, a variant classified as benign is not then subjected to further curation. The score for this variant resulted in a classification of benign for this disease.

Illumina Laboratory Services, Illumina
Classification: Benign for Cranioectodermal dysplasia 2. Last evaluated: 2018-01-13. Review status: criteria provided, single submitter. Criteria: ICSL Variant Classification Criteria 13 December 2019. Collection method: clinical testing. Allele origin: germline.
Comment: the same text as in the submission from Illumina Laboratory Services, Illumina above.

ARUP Laboratories, Molecular Genetics and Genomics, ARUP Laboratories
Classification: Benign. Last evaluated: 2017-11-28. Review status: criteria provided, single submitter. Criteria: ARUP Molecular Germline Variant Investigation Process. Collection method: clinical testing. Allele origin: germline.

Dr. Peter K. Rogan Lab, Western University
No classification provided (evidence only). Condition: Sarcoma. Review status: no classification provided. Collection method: in vitro. Allele origin: not applicable. Functional consequence: retained intron. Not counted in ClinVar's aggregate classification.

Dr. Peter K. Rogan Lab, Western University
No classification provided (evidence only). Condition: Gastric cancer. Review status: no classification provided. Collection method: in vitro. Allele origin: not applicable. Functional consequence: retained intron. Not counted in ClinVar's aggregate classification.

Dr. Peter K. Rogan Lab, Western University
No classification provided (evidence only). Condition: Malignant tumor of esophagus. Review status: no classification provided. Collection method: in vitro. Allele origin: not applicable. Functional consequence: retained intron. Not counted in ClinVar's aggregate classification.

Dr. Peter K. Rogan Lab, Western University
No classification provided (evidence only). Condition: Malignant tumor of esophagus. Review status: no classification provided. Collection method: in vitro. Allele origin: not applicable. Functional consequence: retained intron. Not counted in ClinVar's aggregate classification.

Dr. Peter K. Rogan Lab, Western University
No classification provided (evidence only). Condition: Malignant tumor of esophagus. Review status: no classification provided. Collection method: in vitro. Allele origin: not applicable. Functional consequence: retained intron. Not counted in ClinVar's aggregate classification.

Dr. Peter K. Rogan Lab, Western University
No classification provided (evidence only). Condition: Malignant tumor of esophagus. Review status: no classification provided. Collection method: in vitro. Allele origin: not applicable. Functional consequence: retained intron. Not counted in ClinVar's aggregate classification.

Dr. Peter K. Rogan Lab, Western University
No classification provided (evidence only). Condition: Malignant tumor of esophagus. Review status: no classification provided. Collection method: in vitro. Allele origin: not applicable. Functional consequence: retained intron. Not counted in ClinVar's aggregate classification.

NM_020779.4(WDR35):c.1058G>C (p.Arg353Pro)

Gene: WDR35 (WD repeat domain 35; minus strand). Cytogenetic location: 2p24.1.
Variant type: single nucleotide variant.
Coding change: c.1058G>C on transcript NM_020779.4 (MANE Select); coding-DNA position 1058, G replaced by C.
Protein change: p.Arg353Pro; replaces arginine 353 with proline.
Molecular consequence: missense variant.
Genome position (GRCh38, 1-based): chr2:19,966,860, C>G on the plus strand (G>C on the coding strand, the complement: WDR35 is on the minus strand). VCF-style: chr2-19966860-C-G. GRCh37 (hg19) VCF-style: chr2-20166621-C-G.
Other names: c.1058G>C, p.Arg353Pro (NM_001006657.2); short protein forms R353P.
Identifiers: ClinVar variation 333397 (VCV000333397.24), dbSNP rs76623454, ClinGen allele CA1543351.